The following is an entry in ClinVar:

ClinVar aggregate classification (germline): Benign. Review status: criteria provided, single submitter (1 of 4 stars). 2 submissions from 2 submitters: Benign (1). 1 of the submissions does not count toward it. Last evaluated 2026-02-01.

Conditions:
PKD1L1-related disorder. Also called: PKD1L1-related condition.

Allele frequency attached by ClinVar (database versions not stated): gnomAD exomes 0.01108; ExAC 0.01893; 1000 Genomes Project 0.03874; 1000 Genomes Project 30x 0.04122; gnomAD 0.04622; TOPMed 0.05214; ESP Exome Variant Server 0.05582.
gnomAD v4.1: 23,515 of 1,613,630 alleles (1.5%); highest among the groups gnomAD compares: African/African-American, 14%; 813 homozygotes.

Submissions (2):

Labcorp Genetics (formerly Invitae), Labcorp
Classification: Benign. Last evaluated: 2026-02-01. Review status: criteria provided, single submitter. Criteria: Invitae Variant Classification Sherloc (09022015). Collection method: clinical testing. Allele origin: germline.

PreventionGenetics, part of Exact Sciences
Classification: Benign for PKD1L1-related condition. Last evaluated: 2019-06-17. Review status: no assertion criteria provided. Collection method: clinical testing. Allele origin: germline. Not counted in ClinVar's aggregate classification.
Comment: This variant is classified as benign based on ACMG/AMP sequence variant interpretation guidelines (Richards et al. 2015 PMID: 25741868, with internal and published modifications).

NM_138295.5(PKD1L1):c.3228C>T (p.Asp1076=)

Gene: PKD1L1 (polycystin 1 like 1, transient receptor potential channel interacting; minus strand). Cytogenetic location: 7p12.3.
Variant type: single nucleotide variant.
Coding change: c.3228C>T on transcript NM_138295.5 (MANE Select); coding-DNA position 3228, C replaced by T.
Protein change: p.Asp1076=; no amino-acid change (aspartic acid 1076 retained).
Molecular consequence: synonymous variant.
Genome position (GRCh38, 1-based): chr7:47,884,635, G>A on the plus strand (C>T on the coding strand, the complement: PKD1L1 is on the minus strand). VCF-style: chr7-47884635-G-A. GRCh37 (hg19) VCF-style: chr7-47924233-G-A.
Other names: c.3228C>T (NM_138295.3).
Identifiers: ClinVar variation 2039468 (VCV002039468.6), dbSNP rs79566365, ClinGen allele CA4253497.